The following is an entry in ClinVar:

NC_000023.11:g.(6500268_6517018)_(7739446_7762747)del

Genes: MIR4767 (microRNA 4767; plus strand), PUDP (pseudouridine 5'-phosphatase; minus strand), STS (steroid sulfatase; plus strand), VCX3A (variable charge X-linked 3A; minus strand), LOC130067910 (ATAC-STARR-seq lymphoblastoid active region 29383; plus strand) and 13 more. Cytogenetic location: Xp22.31.
Variant type: Deletion.
Identifiers: ClinVar variation 188050 (VCV000188050.3).

ClinVar aggregate classification (germline): Pathogenic (0 of 4 stars; one submission).

Conditions:
X-linked ichthyosis with steryl-sulfatase deficiency (XLI). Also called: PLACENTAL STEROID SULFATASE DEFICIENCY; STEROID SULFATASE DEFICIENCY; STEROID SULFATASE DEFICIENCY DISEASE; STS DEFICIENCY; Ichthyosis, X-Linked; Recessive X-linked ichthyosis. Identifiers: Orphanet 461, MedGen C0079588, MONDO:0010622, OMIM 308100.

Submission:

Human Molecular Genetics Lab, Quaid-I-Azam University
Classification: Pathogenic for X-linked ichthyosis with steryl-sulfatase deficiency. Last evaluated: 2015-01-16. Review status: no assertion criteria provided. Collection method: research. Allele origin: maternal. Inheritance: X-linked inheritance. Affected: yes. Observed: 19 variant alleles. Study: Genetic Skin Disorders Investigation in Pakistan.
Comment: The characteristic sex-linked segregation of phenotype and concomitant finding of recurrent microdeletions at Xp22.31 in this report as well as in previous findings strongly suggest the clinical significance of these microdeletions in X-linked icthyosis

Literature cited by the submitters: PubMed 18413370; PubMed 3007328; PubMed 7208152.